The following is an entry in ClinVar:

NM_020066.5(FMN2):c.4865T>C (p.Ile1622Thr)

Gene: FMN2 (formin 2; plus strand). Cytogenetic location: 1q43.
Variant type: single nucleotide variant.
Coding change: c.4865T>C on transcript NM_020066.5 (MANE Select); coding-DNA position 4865, T replaced by C.
Protein change: p.Ile1622Thr; replaces isoleucine 1622 with threonine.
Molecular consequence: missense variant.
Genome position (GRCh38, 1-based): chr1:240,392,517, T>C. VCF-style: chr1-240392517-T-C. GRCh37 (hg19) VCF-style: chr1-240555817-T-C.
Other names: c.4877T>C, p.Ile1626Thr (NM_001305424.2); c.2693T>C, p.Ile898Thr (NM_001348094.2); short protein forms I898T, I1626T, I1622T.
Identifiers: ClinVar variation 1028640 (VCV001028640.1), dbSNP rs1298917573, ClinGen allele CA345657345.

ClinVar aggregate classification (germline): Uncertain significance (1 of 4 stars; one submission).

Conditions:
Intellectual developmental disorder, autosomal recessive 47. Also called: Intellectual disability, autosomal recessive 47. Identifiers: Orphanet 88616, MedGen C4015444, MONDO:0014524, OMIM 616193.

Allele frequency attached by ClinVar (database versions not stated): gnomAD 0.00001.
gnomAD v4.1: 1 of 1,610,166 alleles (0.000062%); highest among the groups gnomAD compares: Non-Finnish European, 0.000085%; no homozygotes.

Submission:

Baylor Genetics
Classification: Uncertain significance for Intellectual developmental disorder, autosomal recessive 47. Last evaluated: 2019-01-16. Review status: criteria provided, single submitter. Criteria: ACMG Guidelines, 2015. Collection method: clinical testing. Allele origin: paternal. Affected: yes.
Comment: This variant was determined to be of uncertain significance according to ACMG Guidelines, 2015 [PMID:25741868].